The following is an entry in ClinVar:

ClinVar aggregate classification (germline): Uncertain significance (1 of 4 stars; one submission).

Conditions:
Hyperekplexia 2 (HKPX2). Identifiers: Orphanet 3197, MedGen C3553291, MONDO:0013828, OMIM 614619.

Submission:

Labcorp Genetics (formerly Invitae), Labcorp
Classification: Uncertain significance for Hyperekplexia 2. Last evaluated: 2022-04-09. Review status: criteria provided, single submitter. Criteria: Invitae Variant Classification Sherloc (09022015). Collection method: clinical testing. Allele origin: germline.
Comment: This sequence change replaces cysteine, which is neutral and slightly polar, with arginine, which is basic and polar, at codon 137 of the GLRB protein (p.Cys137Arg). This variant is not present in population databases (gnomAD no frequency). This variant has not been reported in the literature in individuals affected with GLRB-related conditions. Advanced modeling of protein sequence and biophysical properties (such as structural, functional, and spatial information, amino acid conservation, physicochemical variation, residue mobility, and thermodynamic stability) performed at Invitae indicates that this missense variant is not expected to disrupt GLRB protein function. In summary, the available evidence is currently insufficient to determine the role of this variant in disease. Therefore, it has been classified as a Variant of Uncertain Significance.

NM_000824.5(GLRB):c.409T>C (p.Cys137Arg)

Gene: GLRB (glycine receptor beta; plus strand). Cytogenetic location: 4q32.1.
Variant type: single nucleotide variant.
Coding change: c.409T>C on transcript NM_000824.5 (MANE Select); coding-DNA position 409, T replaced by C.
Protein change: p.Cys137Arg; replaces cysteine 137 with arginine.
Molecular consequence: missense variant.
Genome position (GRCh38, 1-based): chr4:157,136,580, T>C. VCF-style: chr4-157136580-T-C. GRCh37 (hg19) VCF-style: chr4-158057732-T-C.
Other names: c.409T>C, p.Cys137Arg (NM_001166060.2, NM_001166061.2); short protein forms C137R.
Identifiers: ClinVar variation 2123978 (VCV002123978.4), dbSNP rs2530061335, ClinGen allele CA358642516.
Genomic context (GRCh38, chr4:157,136,580, plus strand): 5'-AAGCTCCCCAGTGATTTTAGGGGTTCAGATGCACTGACAGTGGATCCAACAATGTACAAG[T>C]GTTTATGGAAACCTGATTTATTTTTTGCAAATGAAAAAAGTGCCAATTTTCATGATGTGA-3'
Protein context (NP_000815.1, residues 127-147): ALTVDPTMYK[Cys137Arg]LWKPDLFFAN